The following is an entry in ClinVar:

ClinVar aggregate classification (germline): Uncertain significance (1 of 4 stars; one submission).

Conditions:
Ververi-Brady syndrome. Identifiers: MedGen C4693824, MONDO:0979877, MONDO:0060707.

Allele frequency attached by ClinVar (database versions not stated): gnomAD exomes 0.00001.
gnomAD v4.1: 4 of 1,613,474 alleles (0.00025%); highest among the groups gnomAD compares: East Asian, 0.0045%; no homozygotes.

Submission:

Institute of Human Genetics, Clinical Exome/Genome Diagnostics Group, University Hospital Bonn
Classification: Uncertain significance for Ververi-Brady syndrome 1. Last evaluated: 2021-12-09. Review status: criteria provided, single submitter. Criteria: ACMG Guidelines, 2015. Collection method: clinical testing. Allele origin: germline. Affected: yes.
Comment: PP2

NM_198880.3(QRICH1):c.2214C>G (p.Ile738Met)

Gene: QRICH1 (glutamine rich 1; minus strand). Cytogenetic location: 3p21.31.
Variant type: single nucleotide variant.
Coding change: c.2214C>G on transcript NM_198880.3 (MANE Select); coding-DNA position 2214, C replaced by G.
Protein change: p.Ile738Met; replaces isoleucine 738 with methionine.
Molecular consequence: missense variant.
Genome position (GRCh38, 1-based): chr3:49,030,569, G>C on the plus strand (C>G on the coding strand, the complement: QRICH1 is on the minus strand). VCF-style: chr3-49030569-G-C. GRCh37 (hg19) VCF-style: chr3-49068002-G-C.
Other names: c.2214C>G, p.Ile738Met (NM_001320580.2, NM_001320581.2, NM_001320582.2 and 4 more transcripts); short protein forms I738M.
Identifiers: ClinVar variation 1343261 (VCV001343261.1), dbSNP rs1229242051, ClinGen allele CA352750986.
Genomic context (GRCh38, chr3:49,030,569, plus strand): 5'-CAGGATCCGCGTCAGCATTTGTCCCATCTGCTCTCTGCTGATAGGCTGGACTGAGTACCA[G>C]ATTGGGCTGTTGGGGGCCACCACTGGCTCAGGTGTCAGGTAAAAGGTGTCATTCCGGCCT-3'
Protein context (NP_942581.1, residues 728-748): PEPVVAPNSP[Ile738Met]WYSVQPISRE